The following is an entry in ClinVar:

NM_015338.6(ASXL1):c.3436T>A (p.Ser1146Thr)

Gene: ASXL1 (ASXL transcriptional regulator 1; plus strand). Cytogenetic location: 20q11.21.
Variant type: single nucleotide variant.
Coding change: c.3436T>A on transcript NM_015338.6 (MANE Select); coding-DNA position 3436, T replaced by A.
Protein change: p.Ser1146Thr; replaces serine 1146 with threonine.
Molecular consequence: missense variant.
Genome position (GRCh38, 1-based): chr20:32,436,148, T>A. VCF-style: chr20-32436148-T-A. GRCh37 (hg19) VCF-style: chr20-31023951-T-A.
Other names: c.3253T>A, p.Ser1085Thr (NM_001363734.1); short protein forms S1085T, S1146T.
Identifiers: ClinVar variation 4864689 (VCV004864689.1).

ClinVar aggregate classification (germline): Uncertain significance (1 of 4 stars; one submission).

Conditions:
Inborn genetic diseases. Identifiers: MedGen C0950123, MeSH D030342.

Submission:

Ambry Genetics
Classification: Uncertain significance for Inborn genetic diseases. Last evaluated: 2026-05-18. Review status: criteria provided, single submitter. Criteria: Ambry Variant Classification Scheme 2023. Collection method: clinical testing. Allele origin: germline.
Comment: The p.S1146T variant (also known as c.3436T>A), located in coding exon 13 of the ASXL1 gene, results from a T to A substitution at nucleotide position 3436. The serine at codon 1146 is replaced by threonine, an amino acid with similar properties. This amino acid position is conserved. In addition, this alteration is predicted to be tolerated by in silico analysis. Based on the available evidence, the clinical significance of this variant remains unclear.